The following is an entry in ClinVar:

ClinVar aggregate classification (germline): Likely benign (1 of 4 stars; one submission).

Submission:

CeGaT Center for Human Genetics Tuebingen
Classification: Likely benign. Last evaluated: 2026-02-01. Review status: criteria provided, single submitter. Criteria: CeGaT Center For Human Genetics Tuebingen Variant Classification Criteria Version 2. Collection method: clinical testing. Allele origin: germline. Affected: yes. Observed: 1 variant allele.
Comment: TAF1: PM2:Supporting, BP4, BP7

NM_004606.5(TAF1):c.411T>G (p.Pro137=)

Gene: TAF1 (TATA-box binding protein associated factor 1; plus strand). Cytogenetic location: Xq13.1.
Variant type: single nucleotide variant.
Coding change: c.411T>G on transcript NM_004606.5 (MANE Select); coding-DNA position 411, T replaced by G.
Protein change: p.Pro137=; no amino-acid change (proline 137 retained).
Molecular consequence: synonymous variant. On other transcripts: non-coding transcript variant (9).
Genome position (GRCh38, 1-based): chrX:71,375,225, T>G. VCF-style: chrX-71375225-T-G. GRCh37 (hg19) VCF-style: chrX-70595075-T-G.
Other names: c.411T>G, p.Pro137= (NM_001286074.2, NM_001440852.1, NM_001440853.1 and 2 more transcripts).
Identifiers: ClinVar variation 4823228 (VCV004823228.4).